The following is an entry in ClinVar:

NC_012920.1(MT-ND5):m.12530A>G

Gene: MT-ND5 (mitochondrially encoded NADH dehydrogenase 5; plus strand).
Variant type: single nucleotide variant.
Genome position: chrM-12530-A-G.
Identifiers: ClinVar variation 693458 (VCV000693458.1), dbSNP rs1603223785, ClinGen allele CA414813604.

ClinVar aggregate classification (germline): Benign (1 of 4 stars; one submission).

Conditions:
Leigh syndrome (NULS). Also called: Leigh's necrotizing encephalopathy; Leigh's disease; Leigh Syndrome (mtDNA deletion); Leigh Disease; Subacute necrotizing encephalopathy; Necrotizing encephalopathy infantile subacute of Leigh. Identifiers: Orphanet 506, MedGen C2931891, MONDO:0009723, OMIM 256000.

Submission:

Wong Mito Lab, Molecular and Human Genetics, Baylor College of Medicine
Classification: Benign for Leigh syndrome. Last evaluated: 2019-10-17. Review status: criteria provided, single submitter. Criteria: Modified ACMG Guidelines (Unpublished). Collection method: clinical testing. Allele origin: germline.
Comment: The NC_012920.1:m.12530A>G (YP_003024036.1:p.Asn65Ser) variant in MTND5 gene is interpretated to be a Benign variant based on the modified ACMG guidelines (unpublished). This variant meets the following evidence codes: BS1, BS2, BP4